The following is an entry in ClinVar:

ClinVar aggregate classification (germline): Uncertain significance. Review status: criteria provided, multiple submitters, no conflicts (2 of 4 stars). 2 submissions from 2 submitters: Uncertain significance (2). Last evaluated 2025-06-17.

Conditions:
Gorlin syndrome. Also called: Basal cell nevus syndrome; Nevoid Basal Cell Carcinoma Syndrome. Identifiers: Orphanet 377, MedGen C0004779, MONDO:0007187.
Basal cell nevus syndrome 1 (BCNS1). Also called: GORLIN-GOLTZ SYNDROME; MULTIPLE BASAL CELL NEVI, ODONTOGENIC KERATOCYSTS, AND SKELETAL ANOMALIES. Identifiers: MedGen CN376810, MONDO:0958174, OMIM 109400.

Allele frequency attached by ClinVar (database versions not stated): ExAC 0.00001; gnomAD 0.00002; TOPMed 0.00004; ESP Exome Variant Server 0.00008.
gnomAD v4.1: 18 of 1,614,092 alleles (0.0011%); highest among the groups gnomAD compares: African/African-American, 0.004%; no homozygotes.

Submissions (2):

St. Jude Molecular Pathology, St. Jude Children's Research Hospital
Classification: Uncertain significance for Basal cell nevus syndrome 1. Last evaluated: 2025-06-17. Review status: criteria provided, single submitter. Criteria: St. Jude Assertion Criteria 2020. Collection method: clinical testing. Allele origin: germline.
Comment: The PTCH2 c.1007A>G p.(Tyr336Cys) missense change has a maximum subpopulation frequency of 0.008% in gnomAD v2.1.1. The in silico tool REVEL predicts a deleterious effect on protein function, but to our knowledge this prediction has not been confirmed by functional studies. To our knowledge, this variant has not been reported in individuals with nevoid basal cell carcinoma syndrome. In summary, the evidence currently available is insufficient to determine the clinical significance of this variant. It has therefore been classified as of uncertain significance.

Labcorp Genetics (formerly Invitae), Labcorp
Classification: Uncertain significance for Gorlin syndrome. Last evaluated: 2022-10-18. Review status: criteria provided, single submitter. Criteria: Invitae Variant Classification Sherloc (09022015). Collection method: clinical testing. Allele origin: germline.
Comment: In summary, the available evidence is currently insufficient to determine the role of this variant in disease. Therefore, it has been classified as a Variant of Uncertain Significance. Advanced modeling of protein sequence and biophysical properties (such as structural, functional, and spatial information, amino acid conservation, physicochemical variation, residue mobility, and thermodynamic stability) performed at Invitae indicates that this missense variant is not expected to disrupt PTCH2 protein function. This variant has not been reported in the literature in individuals affected with PTCH2-related conditions. This variant is present in population databases (rs144193647, gnomAD 0.008%). This sequence change replaces tyrosine, which is neutral and polar, with cysteine, which is neutral and slightly polar, at codon 336 of the PTCH2 protein (p.Tyr336Cys).

NM_003738.5(PTCH2):c.1007A>G (p.Tyr336Cys)

Gene: PTCH2 (patched 2; minus strand). Cytogenetic location: 1p34.1.
Variant type: single nucleotide variant.
Coding change: c.1007A>G on transcript NM_003738.5 (MANE Select); coding-DNA position 1007, A replaced by G.
Protein change: p.Tyr336Cys; replaces tyrosine 336 with cysteine.
Molecular consequence: missense variant.
Genome position (GRCh38, 1-based): chr1:44,829,690, T>C on the plus strand (A>G on the coding strand, the complement: PTCH2 is on the minus strand). VCF-style: chr1-44829690-T-C. GRCh37 (hg19) VCF-style: chr1-45295362-T-C.
Other names: c.1007A>G, p.Tyr336Cys (NM_001166292.2); short protein forms Y336C.
Identifiers: ClinVar variation 2123623 (VCV002123623.6), dbSNP rs144193647, ClinGen allele CA823466.